The following is an entry in ClinVar:

NM_001159773.2(CANT1):c.991G>A (p.Ala331Thr)

Gene: CANT1 (calcium activated nucleotidase 1; minus strand). Cytogenetic location: 17q25.3.
Variant type: single nucleotide variant.
Coding change: c.991G>A on transcript NM_001159773.2 (MANE Select); coding-DNA position 991, G replaced by A.
Protein change: p.Ala331Thr; replaces alanine 331 with threonine.
Molecular consequence: missense variant.
Genome position (GRCh38, 1-based): chr17:78,993,765, C>T on the plus strand (G>A on the coding strand, the complement: CANT1 is on the minus strand). VCF-style: chr17-78993765-C-T. GRCh37 (hg19) VCF-style: chr17-76989847-C-T.
Other names: c.991G>A, p.Ala331Thr (NM_001159772.2, NM_138793.4); short protein forms A331T.
Identifiers: ClinVar variation 1943868 (VCV001943868.2), dbSNP rs1345658200, ClinGen allele CA401306625.

ClinVar aggregate classification (germline): Uncertain significance (1 of 4 stars; one submission).

Submission:

Labcorp Genetics (formerly Invitae), Labcorp
Classification: Uncertain significance. Last evaluated: 2022-07-03. Review status: criteria provided, single submitter. Criteria: Invitae Variant Classification Sherloc (09022015). Collection method: clinical testing. Allele origin: germline.
Comment: This sequence change replaces alanine, which is neutral and non-polar, with threonine, which is neutral and polar, at codon 331 of the CANT1 protein (p.Ala331Thr). This variant is not present in population databases (gnomAD no frequency). This variant has not been reported in the literature in individuals affected with CANT1-related conditions. Algorithms developed to predict the effect of missense changes on protein structure and function output the following: SIFT: "Tolerated"; PolyPhen-2: "Benign"; Align-GVGD: "Class C0". The threonine amino acid residue is found in multiple mammalian species, which suggests that this missense change does not adversely affect protein function. In summary, the available evidence is currently insufficient to determine the role of this variant in disease. Therefore, it has been classified as a Variant of Uncertain Significance.